The following is an entry in ClinVar:

NM_000466.3(PEX1):c.1763C>T (p.Ala588Val)

Gene: PEX1 (peroxisomal biogenesis factor 1; minus strand). Cytogenetic location: 7q21.2.
Variant type: single nucleotide variant.
Coding change: c.1763C>T on transcript NM_000466.3 (MANE Select); coding-DNA position 1763, C replaced by T.
Protein change: p.Ala588Val; replaces alanine 588 with valine.
Molecular consequence: missense variant.
Genome position (GRCh38, 1-based): chr7:92,507,034, G>A on the plus strand (C>T on the coding strand, the complement: PEX1 is on the minus strand). VCF-style: chr7-92507034-G-A. GRCh37 (hg19) VCF-style: chr7-92136348-G-A.
Other names: c.1763C>T, p.Ala588Val (NM_001282677.2); c.1139C>T, p.Ala380Val (NM_001282678.2); short protein forms A380V, A588V.
Identifiers: ClinVar variation 1441140 (VCV001441140.5), dbSNP rs2116181053, ClinGen allele CA368187315.

ClinVar aggregate classification (germline): Uncertain significance (1 of 4 stars; one submission).

Conditions:
Zellweger spectrum disorders (ZS). Also called: Zellweger syndrome; Zellweger Spectrum Disorder (ZSD); Zellweger Spectrum Disorder; Zellweger Spectrum. Identifiers: Orphanet 912, MedGen C0043459, MONDO:0019609.

Submission:

Labcorp Genetics (formerly Invitae), Labcorp
Classification: Uncertain significance for Zellweger spectrum disorders. Last evaluated: 2022-07-26. Review status: criteria provided, single submitter. Criteria: Invitae Variant Classification Sherloc (09022015). Collection method: clinical testing. Allele origin: germline.
Comment: This sequence change replaces alanine, which is neutral and non-polar, with valine, which is neutral and non-polar, at codon 588 of the PEX1 protein (p.Ala588Val). This variant is not present in population databases (gnomAD no frequency). This variant has not been reported in the literature in individuals affected with PEX1-related conditions. ClinVar contains an entry for this variant (Variation ID: 1441140). Advanced modeling of protein sequence and biophysical properties (such as structural, functional, and spatial information, amino acid conservation, physicochemical variation, residue mobility, and thermodynamic stability) performed at Invitae indicates that this missense variant is not expected to disrupt PEX1 protein function. In summary, the available evidence is currently insufficient to determine the role of this variant in disease. Therefore, it has been classified as a Variant of Uncertain Significance.